The following is an entry in ClinVar:

NM_139276.3(STAT3):c.2107G>A (p.Ala703Thr)

Gene: STAT3 (signal transducer and activator of transcription 3; minus strand). Cytogenetic location: 17q21.2.
Variant type: single nucleotide variant.
Coding change: c.2107G>A on transcript NM_139276.3 (MANE Select); coding-DNA position 2107, G replaced by A.
Protein change: p.Ala703Thr; replaces alanine 703 with threonine.
Molecular consequence: missense variant. On other transcripts: intron variant (1).
Genome position (GRCh38, 1-based): chr17:42,317,219, C>T on the plus strand (G>A on the coding strand, the complement: STAT3 is on the minus strand). VCF-style: chr17-42317219-C-T. GRCh37 (hg19) VCF-style: chr17-40469237-C-T.
Other names: c.2107G>A, p.Ala703Thr (NM_001369512.1, NM_001369513.1, NM_001369517.1 and 3 more transcripts); c.2104G>A, p.Ala702Thr (NM_001369514.1, NM_001369516.1, NM_001369519.1 and 2 more transcripts); c.2023G>A, p.Ala675Thr (NM_001384984.1); c.2029G>A, p.Ala677Thr (NM_001384985.1); c.2119G>A, p.Ala707Thr (NM_001384986.1); c.2086G>A, p.Ala696Thr (NM_001384987.1); c.2008G>A, p.Ala670Thr (NM_001384989.1); c.2122G>A, p.Ala708Thr (NM_001384990.1); and 3 more; short protein forms A703T, A702T, A670T, A675T, A677T, A683T, A694T, A696T.
Identifiers: ClinVar variation 224850 (VCV000224850.2), dbSNP rs869312894, ClinGen allele CA357962.

ClinVar aggregate classification (germline): Pathogenic. Review status: criteria provided, single submitter (1 of 4 stars). 2 submissions from 2 submitters: Pathogenic (1). 1 of the submissions does not count toward it. Last evaluated 2014-10-30.

Conditions:
STAT3-related early-onset multisystem autoimmune disease. Also called: Autoimmune disease, multisystem, infantile-onset, 1. Identifiers: Orphanet 438159, MedGen C4014795, MONDO:0014414, OMIM 615952.

Submissions (2):

Lupski Lab, Baylor-Hopkins CMG, Baylor College of Medicine
Classification: Pathogenic for STAT3-related early-onset multisystem autoimmune disease. Last evaluated: 2014-10-30. Review status: criteria provided, single submitter. Criteria: Milner et al. (Blood 2015). Collection method: research. Allele origin: inherited. Inheritance: Autosomal dominant inheritance. Affected: yes. Observed: 3 variant alleles, 3 heterozygotes.
Comment: segregates with the phenotype in an affected family

OMIM
Classification: Pathogenic for AUTOIMMUNE DISEASE, MULTISYSTEM, INFANTILE-ONSET, 1. Last evaluated: 2016-09-15. Review status: no assertion criteria provided. Collection method: literature only. Allele origin: germline. Not counted in ClinVar's aggregate classification.

Literature cited by the submitters: PubMed 25359994 (cited by OMIM).